The following is an entry in ClinVar:

ClinVar aggregate classification (germline): Uncertain significance. Review status: criteria provided, multiple submitters, no conflicts (2 of 4 stars). 3 submissions from 3 submitters: Uncertain significance (3). Last evaluated 2025-09-02.

Conditions:
Inborn genetic diseases. Identifiers: MedGen C0950123, MeSH D030342.

gnomAD v4.1: 1 of 1,552,124 alleles (0.000064%); no homozygotes.

Submissions (3):

Dasa
Classification: Uncertain significance. Last evaluated: 2025-09-02. Review status: criteria provided, single submitter. Criteria: DASA Assertion Criteria. Collection method: clinical testing. Allele origin: germline.
Comment: NM_020928.2(ZSWIM6):c.1619A>G (p.Tyr540Cys) is a missense variant that results in the substitution of tyrosine with cysteine. This variant is rare in population databases. The currently available literature and clinical evidence are not sufficient to establish a definitive association between this variant and the reported condition. Therefore, this variant is classified as a variant of uncertain significance.

Ambry Genetics
Classification: Uncertain significance for Inborn genetic diseases. Last evaluated: 2024-01-03. Review status: criteria provided, single submitter. Criteria: Ambry Variant Classification Scheme 2023. Collection method: clinical testing. Allele origin: germline.

Labcorp Genetics (formerly Invitae), Labcorp
Classification: Uncertain significance. Last evaluated: 2023-02-22. Review status: criteria provided, single submitter. Criteria: Invitae Variant Classification Sherloc (09022015). Collection method: clinical testing. Allele origin: germline.
Comment: In summary, the available evidence is currently insufficient to determine the role of this variant in disease. Therefore, it has been classified as a Variant of Uncertain Significance. An algorithm developed to predict the effect of missense changes on protein structure and function (PolyPhen-2) suggests that this variant is likely to be tolerated. This variant has not been reported in the literature in individuals affected with ZSWIM6-related conditions. This variant is not present in population databases (gnomAD no frequency). This sequence change replaces tyrosine, which is neutral and polar, with cysteine, which is neutral and slightly polar, at codon 540 of the ZSWIM6 protein (p.Tyr540Cys).

NM_020928.2(ZSWIM6):c.1619A>G (p.Tyr540Cys)

Gene: ZSWIM6 (zinc finger SWIM-type containing 6; plus strand). Cytogenetic location: 5q12.1.
Variant type: single nucleotide variant.
Coding change: c.1619A>G on transcript NM_020928.2 (MANE Select); coding-DNA position 1619, A replaced by G.
Protein change: p.Tyr540Cys; replaces tyrosine 540 with cysteine.
Molecular consequence: missense variant.
Genome position (GRCh38, 1-based): chr5:61,525,905, A>G. VCF-style: chr5-61525905-A-G. GRCh37 (hg19) VCF-style: chr5-60821732-A-G.
Other names: c.1619A>G (NM_020928.1); short protein forms Y540C.
Identifiers: ClinVar variation 2839703 (VCV002839703.6), dbSNP rs2478347941, ClinGen allele CA359943472.